The following is an entry in ClinVar:

NM_001394998.1(TANC2):c.2897A>G (p.Gln966Arg)

Genes: TANC2 (tetratricopeptide repeat, ankyrin repeat and coiled-coil containing 2; plus strand), LOC105371856 (uncharacterized LOC105371856; minus strand). Cytogenetic location: 17q23.3.
Variant type: single nucleotide variant.
Coding change: c.2897A>G on transcript NM_001394998.1 (MANE Select); coding-DNA position 2897, A replaced by G.
Protein change: p.Gln966Arg; replaces glutamine 966 with arginine.
Molecular consequence: missense variant.
Genome position (GRCh38, 1-based): chr17:63,389,390, A>G. VCF-style: chr17-63389390-A-G. GRCh37 (hg19) VCF-style: chr17-61466751-A-G.
Other names: c.2675A>G, p.Gln892Arg (NM_001411076.1, NM_025185.4); short protein forms Q892R, Q966R.
Identifiers: ClinVar variation 3662772 (VCV003662772.2).

ClinVar aggregate classification (germline): Uncertain significance (1 of 4 stars; one submission).

Submission:

Labcorp Genetics (formerly Invitae), Labcorp
Classification: Uncertain significance. Last evaluated: 2024-08-18. Review status: criteria provided, single submitter. Criteria: Invitae Variant Classification Sherloc (09022015). Collection method: clinical testing. Allele origin: germline.
Comment: This sequence change replaces glutamine, which is neutral and polar, with arginine, which is basic and polar, at codon 892 of the TANC2 protein (p.Gln892Arg). This variant is not present in population databases (gnomAD no frequency). This variant has not been reported in the literature in individuals affected with TANC2-related conditions. An algorithm developed to predict the effect of missense changes on protein structure and function (PolyPhen-2) suggests that this variant is likely to be tolerated. In summary, the available evidence is currently insufficient to determine the role of this variant in disease. Therefore, it has been classified as a Variant of Uncertain Significance.